The following is an entry in ClinVar:

NM_016203.4(PRKAG2):c.790T>A (p.Phe264Ile)

Gene: PRKAG2 (protein kinase AMP-activated non-catalytic subunit gamma 2; minus strand). Cytogenetic location: 7q36.1.
Variant type: single nucleotide variant.
Coding change: c.790T>A on transcript NM_016203.4 (MANE Select); coding-DNA position 790, T replaced by A.
Protein change: p.Phe264Ile; replaces phenylalanine 264 with isoleucine.
Molecular consequence: missense variant.
Genome position (GRCh38, 1-based): chr7:151,595,419, A>T on the plus strand (T>A on the coding strand, the complement: PRKAG2 is on the minus strand). VCF-style: chr7-151595419-A-T. GRCh37 (hg19) VCF-style: chr7-151292505-A-T.
Other names: c.658T>A, p.Phe220Ile (NM_001040633.2); c.415T>A, p.Phe139Ile (NM_001304527.2); c.67T>A, p.Phe23Ile (NM_001304531.2, NM_024429.2); c.418T>A, p.Phe140Ile (NM_001363698.2); short protein forms F264I, F140I, F220I, F139I, F23I.
Identifiers: ClinVar variation 927651 (VCV000927651.4), dbSNP rs1814241368, ClinGen allele CA370069463.
Genomic context (GRCh38, chr7:151,595,419, plus strand): 5'-CAAAGACAACAAGCTTTGAACTGGTTGGAACGATGTCATAACACTTGTGTGACCTCATGA[A>T]TCGCATGTAAACACCACTTTCTGAGTCTTCTACTGCTAAAAGAAAAAAAGGCAAAACATC-3'
Protein context (NP_057287.2, residues 254-274): EDSESGVYMR[Phe264Ile]MRSHKCYDIV

ClinVar aggregate classification (germline): Uncertain significance (1 of 4 stars; one submission).

Conditions:
Cardiomyopathy (CMYO). Also called: Cardiomyopathies. Identifiers: Orphanet 167848, MedGen C0878544, MONDO:0004994, HP:0001638. Inheritance: Various modes of inheritance.

Submission:

Color Diagnostics, LLC DBA Color Health
Classification: Uncertain significance for Cardiomyopathy. Last evaluated: 2024-03-06. Review status: criteria provided, single submitter. Criteria: ACMG Guidelines, 2015. Collection method: clinical testing. Allele origin: germline.
Comment: This missense variant replaces phenylalanine with isoleucine at codon 264 of the PRKAG2 protein. Computational prediction suggests that this variant may have deleterious impact on protein structure and function (internally defined REVEL score threshold >= 0.7, PMID: 27666373). Splice site prediction tools suggest that this variant may not impact RNA splicing. To our knowledge, functional studies have not been performed for this variant. This variant has not been reported in individuals affected with cardiovascular disorders in the literature. This variant has not been identified in the general population by the Genome Aggregation Database (gnomAD). The available evidence is insufficient to determine the role of this variant in disease conclusively. Therefore, this variant is classified as a Variant of Uncertain Significance.